The following is an entry in ClinVar:

ClinVar aggregate classification (germline): Pathogenic. Review status: criteria provided, multiple submitters, no conflicts (2 of 4 stars). 2 submissions from 2 submitters: Pathogenic (2). Last evaluated 2025-03-20.

Conditions:
Cerebral cavernous malformation 3. Also called: Familial Cerebral Cavernous Malformation 3. Identifiers: Orphanet 221061, MedGen C1864040, MONDO:0011305, OMIM 603285.

Allele frequency attached by ClinVar (database versions not stated): gnomAD exomes below 0.00001.
gnomAD v4.1: 1 of 1,499,624 alleles (0.000067%); highest among the groups gnomAD compares: Non-Finnish European, 0.000093%; no homozygotes.

Submissions (2):

3billion
Classification: Pathogenic for Cerebral cavernous malformation 3. Last evaluated: 2025-03-20. Review status: criteria provided, single submitter. Criteria: ACMG Guidelines, 2015. Collection method: clinical testing. Allele origin: germline. Affected: yes.
Comment: The variant is observed at an extremely low frequency in the gnomAD v4.1.0 dataset (total allele frequency: <0.001%). Predicted Consequence/Location: Canonical splice site: predicted to alter splicing and result in a loss or disruption of normal protein function. Multiple pathogenic loss-of-function variants are reported downstream of the variant. In silico tools predict the variant to alter splicing and produce an abnormal transcript [SpliceAI: 0.99 (spliceogenicity >=0.2, non-spliceogenicity <0.1)]. The variant has been reported to be associated with PDCD10-related disorder (ClinVar ID: VCV002579872 / PMID: 23801932). Therefore, this variant is classified as Pathogenic according to the recommendation of ACMG/AMP guideline.

GeneDx
Classification: Pathogenic. Last evaluated: 2023-03-16. Review status: criteria provided, single submitter. Criteria: GeneDx Variant Classification Process June 2021. Collection method: clinical testing. Allele origin: germline. Affected: yes.
Comment: Canonical splice site variant predicted to result in a null allele in a gene for which loss of function is a known mechanism of disease; Not observed at significant frequency in large population cohorts (gnomAD); Reported as IVS8-2A>G in a patient with cerebral cavernous malformation in published literature (Verlaan et al., 2005); This variant is associated with the following publications: (PMID: 23801932, 16380626)

Literature cited by the submitters: PubMed 23801932 (cited by 3billion).

NM_007217.4(PDCD10):c.396-2A>G

Gene: PDCD10 (programmed cell death 10; minus strand). Cytogenetic location: 3q26.1.
Variant type: single nucleotide variant.
Coding change: c.396-2A>G on transcript NM_007217.4 (MANE Select); the canonical splice acceptor site of the intron before coding-DNA position 396, A replaced by G.
Molecular consequence: splice acceptor variant.
Genome position (GRCh38, 1-based): chr3:167,687,695, T>C on the plus strand (A>G on the coding strand, the complement: PDCD10 is on the minus strand). VCF-style: chr3-167687695-T-C. GRCh37 (hg19) VCF-style: chr3-167405483-T-C.
Other names: c.396-2A>G (NM_145860.2, NM_145859.2).
Identifiers: ClinVar variation 2579872 (VCV002579872.2), dbSNP rs1559945126, ClinGen allele CA355154382.